The following is an entry in ClinVar:

ClinVar aggregate classification (germline): Uncertain significance (1 of 4 stars; one submission).

Conditions:
Cardiovascular phenotype. Identifiers: MedGen CN230736.

Submission:

Ambry Genetics
Classification: Uncertain significance for Cardiovascular phenotype. Last evaluated: 2026-08-24. Review status: criteria provided, single submitter. Criteria: Ambry Variant Classification Scheme 2023. Collection method: clinical testing. Allele origin: germline.
Comment: The p.L12R variant (also known as c.35T>G), located in coding exon 1 of the APOC3 gene, results from a T to G substitution at nucleotide position 35. The leucine at codon 12 is replaced by arginine, an amino acid with dissimilar properties. This amino acid position is conserved. In addition, the in silico prediction for this alteration is inconclusive. Based on the available evidence, the clinical significance of this variant remains unclear.

NM_000040.3(APOC3):c.35T>G (p.Leu12Arg)

Gene: APOC3 (apolipoprotein C3; plus strand). Cytogenetic location: 11q23.3.
Variant type: single nucleotide variant.
Coding change: c.35T>G on transcript NM_000040.3 (MANE Select); coding-DNA position 35, T replaced by G.
Protein change: p.Leu12Arg; replaces leucine 12 with arginine.
Molecular consequence: missense variant.
Genome position (GRCh38, 1-based): chr11:116,830,617, T>G. VCF-style: chr11-116830617-T-G. GRCh37 (hg19) VCF-style: chr11-116701333-T-G.
Other names: short protein forms L12R.
Identifiers: ClinVar variation 5028892 (VCV005028892.1).